The following is an entry in ClinVar:

ClinVar aggregate classification (germline): Uncertain significance (1 of 4 stars; one submission).

Allele frequency attached by ClinVar (database versions not stated): gnomAD 0.00002; gnomAD exomes 0.00002 and 0.00003; TOPMed 0.00003; ExAC 0.00004; ESP Exome Variant Server 0.00015.
gnomAD v4.1: 41 of 1,613,366 alleles (0.0025%); highest among the groups gnomAD compares: Non-Finnish European, 0.0031%; no homozygotes.

Submission:

Labcorp Genetics (formerly Invitae), Labcorp
Classification: Uncertain significance. Last evaluated: 2023-01-25. Review status: criteria provided, single submitter. Criteria: Invitae Variant Classification Sherloc (09022015). Collection method: clinical testing. Allele origin: germline.
Comment: In summary, the available evidence is currently insufficient to determine the role of this variant in disease. Therefore, it has been classified as a Variant of Uncertain Significance. Algorithms developed to predict the effect of sequence changes on RNA splicing suggest that this variant may disrupt the consensus splice site. An algorithm developed to predict the effect of missense changes on protein structure and function (PolyPhen-2) suggests that this variant¬† is likely to be tolerated. ClinVar contains an entry for this variant (Variation ID: 1440834). This variant has not been reported in the literature in individuals affected with ATAD1-related conditions. This variant is present in population databases (rs368947548, gnomAD 0.005%). This sequence change replaces serine, which is neutral and polar, with leucine, which is neutral and non-polar, at codon 245 of the ATAD1 protein (p.Ser245Leu).

NM_001321967.2(ATAD1):c.734C>T (p.Ser245Leu)

Gene: ATAD1 (ATPase family AAA domain containing 1; minus strand). Cytogenetic location: 10q23.31.
Variant type: single nucleotide variant.
Coding change: c.734C>T on transcript NM_001321967.2 (MANE Select); coding-DNA position 734, C replaced by T.
Protein change: p.Ser245Leu; replaces serine 245 with leucine.
Molecular consequence: missense variant. On other transcripts: non-coding transcript variant (1), intron variant (1).
Genome position (GRCh38, 1-based): chr10:87,770,998, G>A on the plus strand (C>T on the coding strand, the complement: ATAD1 is on the minus strand). VCF-style: chr10-87770998-G-A. GRCh37 (hg19) VCF-style: chr10-89530755-G-A.
Other names: c.377C>T, p.Ser126Leu (NM_001321969.2); c.734C>T, p.Ser245Leu (NM_032810.4); c.691-3275C>T (NM_001321968.2); short protein forms S126L, S245L.
Identifiers: ClinVar variation 1440834 (VCV001440834.6), dbSNP rs368947548, ClinGen allele CA5590011.